The following is an entry in ClinVar:

ClinVar aggregate classification (germline): Uncertain significance. Review status: criteria provided, multiple submitters, no conflicts (2 of 4 stars). 2 submissions from 2 submitters: Uncertain significance (2). Last evaluated 2023-08-30.

Conditions:
Inborn genetic diseases. Identifiers: MedGen C0950123, MeSH D030342.

Allele frequency attached by ClinVar (database versions not stated): gnomAD exomes below 0.00001; gnomAD 0.00001; TOPMed 0.00001.

Submissions (2):

Labcorp Genetics (formerly Invitae), Labcorp
Classification: Uncertain significance. Last evaluated: 2023-08-30. Review status: criteria provided, single submitter. Criteria: Invitae Variant Classification Sherloc (09022015). Collection method: clinical testing. Allele origin: germline.
Comment: This variant is not present in population databases (gnomAD no frequency). This sequence change replaces leucine, which is neutral and non-polar, with phenylalanine, which is neutral and non-polar, at codon 86 of the UNC80 protein (p.Leu86Phe). This variant has not been reported in the literature in individuals affected with UNC80-related conditions. In summary, the available evidence is currently insufficient to determine the role of this variant in disease. Therefore, it has been classified as a Variant of Uncertain Significance. An algorithm developed to predict the effect of missense changes on protein structure and function (PolyPhen-2) suggests that this variant is likely to be disruptive. ClinVar contains an entry for this variant (Variation ID: 1478702).

Ambry Genetics
Classification: Uncertain significance for Inborn genetic diseases. Last evaluated: 2022-04-08. Review status: criteria provided, single submitter. Criteria: Ambry Variant Classification Scheme 2023. Collection method: clinical testing. Allele origin: germline.

NM_001371986.1(UNC80):c.256C>T (p.Leu86Phe)

Gene: UNC80 (unc-80 subunit of NALCN channel complex; plus strand). Cytogenetic location: 2q34.
Variant type: single nucleotide variant.
Coding change: c.256C>T on transcript NM_001371986.1 (MANE Select); coding-DNA position 256, C replaced by T.
Protein change: p.Leu86Phe; replaces leucine 86 with phenylalanine.
Molecular consequence: missense variant.
Genome position (GRCh38, 1-based): chr2:209,776,003, C>T. VCF-style: chr2-209776003-C-T. GRCh37 (hg19) VCF-style: chr2-210640727-C-T.
Other names: c.256C>T, p.Leu86Phe (NM_032504.2, NM_182587.4); c.256C>T (NM_032504.1); short protein forms L86F.
Identifiers: ClinVar variation 1478702 (VCV001478702.7), dbSNP rs1488820719, ClinGen allele CA350130788.